The following is an entry in ClinVar:

ClinVar aggregate classification (germline): Likely benign. Review status: criteria provided, single submitter (1 of 4 stars). 2 submissions from 2 submitters: Likely benign (1). 1 of the submissions does not count toward it. Last evaluated 2021-11-24.

Conditions:
SLC39A4-related disorder. Also called: SLC39A4-related condition.

Allele frequency attached by ClinVar (database versions not stated): gnomAD exomes below 0.00001; TOPMed below 0.00001; gnomAD 0.00001.

Submissions (2):

Labcorp Genetics (formerly Invitae), Labcorp
Classification: Likely benign. Last evaluated: 2021-11-24. Review status: criteria provided, single submitter. Criteria: Invitae Variant Classification Sherloc (09022015). Collection method: clinical testing. Allele origin: germline.

PreventionGenetics, part of Exact Sciences
Classification: Likely benign for SLC39A4-related condition. Last evaluated: 2023-05-11. Review status: no assertion criteria provided. Collection method: clinical testing. Allele origin: germline. Not counted in ClinVar's aggregate classification.
Comment: This variant is classified as likely benign based on ACMG/AMP sequence variant interpretation guidelines (Richards et al. 2015 PMID: 25741868, with internal and published modifications).

NM_130849.4(SLC39A4):c.1475-8G>A

Gene: SLC39A4 (solute carrier family 39 member 4; minus strand). Cytogenetic location: 8q24.3.
Variant type: single nucleotide variant.
Coding change: c.1475-8G>A on transcript NM_130849.4 (MANE Select); 8 bases into the intron before coding-DNA position 1475, G replaced by A.
Molecular consequence: intron variant.
Genome position (GRCh38, 1-based): chr8:144,413,397, C>T on the plus strand (G>A on the coding strand, the complement: SLC39A4 is on the minus strand). VCF-style: chr8-144413397-C-T. GRCh37 (hg19) VCF-style: chr8-145638781-C-T.
Other names: c.1193-8G>A (NM_001374839.1); c.1400-8G>A (NM_017767.3); c.-20-8G>A (NM_001280557.2); c.1475-8G>A (NM_130849.3).
Identifiers: ClinVar variation 1640068 (VCV001640068.10), dbSNP rs965894506, ClinGen allele CA187645787.
Genomic context (GRCh38, chr8:144,413,397, plus strand): 5'-GAAGTTGTGCACGGCGTCGCCCAGAGTGATCATATAGGGCAGTAGCCTCAACTCTGCGGG[C>T]GCAGAGGCCCGTGGGTTCGCGTGGCCTGTCGCCTACCGCCAAGCCTTGGGCCCCACCCGC-3'